The following is an entry in ClinVar:

ClinVar aggregate classification (germline): Uncertain significance. Review status: criteria provided, multiple submitters, no conflicts (2 of 4 stars). 2 submissions from 2 submitters: Uncertain significance (2). Last evaluated 2023-01-05.

Conditions:
Hereditary cancer-predisposing syndrome. Also called: Hereditary Cancer Syndrome; Tumor predisposition; Hereditary neoplastic syndrome; Neoplastic Syndromes, Hereditary. Identifiers: Orphanet 140162, MedGen C0027672, MeSH D009386, MONDO:0015356.
Hereditary diffuse gastric adenocarcinoma (HDGC). Also called: DIFFUSE GASTRIC AND LOBULAR BREAST CANCER SYNDROME. Identifiers: Orphanet 26106, MedGen C1708349, MONDO:0007648, OMIM 137215.

Allele frequency attached by ClinVar (database versions not stated): gnomAD exomes below 0.00001.
gnomAD v4.1: 2 of 1,614,078 alleles (0.00012%); highest among the groups gnomAD compares: South Asian, 0.0011%; no homozygotes.

Submissions (2):

Ambry Genetics
Classification: Uncertain significance for Hereditary cancer-predisposing syndrome. Last evaluated: 2023-01-05. Review status: criteria provided, single submitter. Criteria: Ambry Variant Classification Scheme 2023. Collection method: clinical testing. Allele origin: germline.
Comment: The p.G690R variant (also known as c.2068G>A), located in coding exon 13 of the CDH1 gene, results from a G to A substitution at nucleotide position 2068. The glycine at codon 690 is replaced by arginine, an amino acid with dissimilar properties. This amino acid position is highly conserved in available vertebrate species. In addition, this alteration is predicted to be deleterious by in silico analysis. Since supporting evidence is limited at this time, the clinical significance of this alteration remains unclear.

Labcorp Genetics (formerly Invitae), Labcorp
Classification: Uncertain significance for Hereditary diffuse gastric adenocarcinoma. Last evaluated: 2022-06-10. Review status: criteria provided, single submitter. Criteria: Invitae Variant Classification Sherloc (09022015). Collection method: clinical testing. Allele origin: germline.
Comment: This variant has not been reported in the literature in individuals affected with CDH1-related conditions. In summary, the available evidence is currently insufficient to determine the role of this variant in disease. Therefore, it has been classified as a Variant of Uncertain Significance. Algorithms developed to predict the effect of missense changes on protein structure and function (SIFT, PolyPhen-2, Align-GVGD) all suggest that this variant is likely to be disruptive. This variant is not present in population databases (gnomAD no frequency). This sequence change replaces glycine, which is neutral and non-polar, with arginine, which is basic and polar, at codon 690 of the CDH1 protein (p.Gly690Arg).

NM_004360.5(CDH1):c.2068G>A (p.Gly690Arg)

Gene: CDH1 (cadherin 1; plus strand). Cytogenetic location: 16q22.1.
Variant type: single nucleotide variant.
Coding change: c.2068G>A on transcript NM_004360.5 (MANE Select); coding-DNA position 2068, G replaced by A.
Protein change: p.Gly690Arg; replaces glycine 690 with arginine.
Molecular consequence: missense variant.
Genome position (GRCh38, 1-based): chr16:68,823,530, G>A. VCF-style: chr16-68823530-G-A. GRCh37 (hg19) VCF-style: chr16-68857433-G-A.
Other names: c.1885G>A, p.Gly629Arg (NM_001317184.2); c.520G>A, p.Gly174Arg (NM_001317185.2); c.103G>A, p.Gly35Arg (NM_001317186.2); short protein forms G174R, G35R, G629R, G690R.
Identifiers: ClinVar variation 2004568 (VCV002004568.5), dbSNP rs2152139492, ClinGen allele CA396467790.